The following is an entry in ClinVar:

NM_004006.3(DMD):c.1483-1534_1565del

Gene: DMD (dystrophin; minus strand). Cytogenetic location: Xp21.1.
Variant type: Deletion.
Coding change: c.1483-1534_1565del on transcript NM_004006.3 (MANE Select); 1534 bases into the intron before coding-DNA position 1483 through coding-DNA position 1565, 1,617 bases deleted.
Molecular consequence: splice acceptor variant.
Genome position (GRCh38, 1-based): chrX:32,595,794-32,597,410, 1,617 bases deleted. GRCh37 (hg19): chrX:32,613,914-32,615,530.
Other names: c.1459-1534_1541del (NM_000109.4); c.1471-1534_1553del (NM_004009.3); c.1114-1534_1196del (NM_004010.3).
Identifiers: ClinVar variation 3223642 (VCV003223642.1), ClinGen allele CA2825002938.

ClinVar aggregate classification (germline): Likely pathogenic (1 of 4 stars; one submission).

Conditions:
Cardiovascular phenotype. Identifiers: MedGen CN230736.

Submission:

Ambry Genetics
Classification: Likely pathogenic for Cardiovascular phenotype. Last evaluated: 2023-12-08. Review status: criteria provided, single submitter. Criteria: Ambry Variant Classification Scheme 2023. Collection method: clinical testing. Allele origin: germline.
Comment: The c.1483-1534_1565del1617 gross deletion includes at least a portion of coding exon 13 and involves the canonical splice acceptor site before coding exon 13 of the DMD gene. The canonical splice acceptor site is highly conserved in available vertebrate species. In silico splice site analysis predicts that this alteration will weaken the native splice acceptor site; however, the exact impact of this deletion on DMD splicing and function is currently unknown. Alterations that disrupt the canonical splice site are expected to cause aberrant splicing. The resulting transcript is predicted to be in-frame and is not expected to trigger nonsense-mediated mRNAdecay; however, direct evidence is unavailable. The exact functional effect of the altered amino acid sequence is unknown; however, the impacted region is critical for protein function (Ambry internal data). Gross deletions in the DMD gene are are a common cause of Duchenne and Becker muscular dystrophies (Koenig M et al. Am J Hum Genet. 1989 Oct;45(4):498-506). As such, this alteration is classified as likely pathogenic.